The following is an entry in ClinVar:

ClinVar aggregate classification (germline): Conflicting classifications of pathogenicity. Review status: criteria provided, conflicting classifications (1 of 4 stars). 11 submissions from 11 submitters: Uncertain significance (3); Likely benign (8). Last evaluated 2026-03-12.

Conditions:
Breast and/or ovarian cancer. Identifiers: MedGen CN221562.
Hereditary cancer-predisposing syndrome. Also called: Tumor predisposition; Hereditary Cancer Syndrome; Neoplastic Syndromes, Hereditary; Hereditary neoplastic syndrome. Identifiers: Orphanet 140162, MedGen C0027672, MeSH D009386, MONDO:0015356.
Peutz-Jeghers syndrome (PJS). Also called: POLYPOSIS, HAMARTOMATOUS INTESTINAL; POLYPS-AND-SPOTS SYNDROME; Peutz-Jeghers polyposis; Periorificial lentiginosis syndrome. Identifiers: Orphanet 2869, MedGen C0031269, MeSH D010580, MONDO:0008280, OMIM 175200.

Allele frequency attached by ClinVar (database versions not stated): ExAC 0.00001; gnomAD exomes 0.00001 and 0.00002.
gnomAD v4.1: 16 of 1,609,402 alleles (0.00099%); highest among the groups gnomAD compares: Middle Eastern, 0.033%; no homozygotes.

Submissions (11):

Ambry Genetics
Classification: Likely benign for Hereditary cancer-predisposing syndrome. Last evaluated: 2026-03-12. Review status: criteria provided, single submitter. Criteria: Ambry Variant Classification Scheme 2023. Collection method: clinical testing. Allele origin: germline.

Labcorp Genetics (formerly Invitae), Labcorp
Classification: Likely benign for Peutz-Jeghers syndrome. Last evaluated: 2025-11-15. Review status: criteria provided, single submitter. Criteria: Invitae Variant Classification Sherloc (09022015). Collection method: clinical testing. Allele origin: germline.

CeGaT Center for Human Genetics Tuebingen
Classification: Uncertain significance. Last evaluated: 2025-08-01. Review status: criteria provided, single submitter. Criteria: CeGaT Center For Human Genetics Tuebingen Variant Classification Criteria Version 2. Collection method: clinical testing. Allele origin: germline. Affected: yes. Observed: 1 variant allele.

Myriad Genetics, Inc.
Classification: Likely benign for Peutz-Jeghers syndrome. Last evaluated: 2025-03-28. Review status: criteria provided, single submitter. Criteria: Myriad Autosomal Dominant, Autosomal Recessive and X-Linked Classification Criteria (2023). Collection method: clinical testing. Allele origin: unknown.
Comment: This variant is considered likely benign. This variant is intronic and is not expected to impact mRNA splicing.

Center for Genomic Medicine, Rigshospitalet, Copenhagen University Hospital
Classification: Likely benign. Last evaluated: 2025-03-04. Review status: criteria provided, single submitter. Criteria: ACMG Guidelines, 2015. Collection method: clinical testing. Allele origin: germline.

CHEO Genetics Diagnostic Laboratory, Children's Hospital of Eastern Ontario
Classification: Uncertain significance for Breast and/or ovarian cancer. Last evaluated: 2022-12-08. Review status: criteria provided, single submitter. Criteria: ACMG Guidelines, 2015. Collection method: clinical testing. Allele origin: germline.

Women's Health and Genetics/Laboratory Corporation of America, LabCorp
Classification: Uncertain significance. Last evaluated: 2021-12-02. Review status: criteria provided, single submitter. Criteria: LabCorp Variant Classification Summary - May 2015. Collection method: clinical testing. Allele origin: germline.
Comment: Variant summary: STK11 c.1108+3G>A alters a non-conserved nucleotide located close to a canonical splice site and therefore could affect mRNA splicing, leading to a significantly altered protein sequence. 4/4 computational tools predict no significant impact on normal splicing. However, these predictions have yet to be confirmed by functional studies. The variant allele was found at a frequency of 2.1e-05 in 239710 control chromosomes (gnomAD). The available data on variant occurrences in the general population are insufficient to allow any conclusion about variant significance. To our knowledge, no occurrence of c.1108+3G>A in individuals affected with Peutz-Jeghers Syndrome and no experimental evidence demonstrating its impact on protein function have been reported. A co-occurrence with a pathogenic variant has been reported via internal testing (ATM c.6280G>T, p.Glu2094X). Five clinical diagnostic laboratories have submitted clinical-significance assessments for this variant to ClinVar after 2014 and classified the variant as likely benign (n=4) and as uncertain significance (n=1). Based on the evidence outlined above, the variant was classified as uncertain significance.

Genome-Nilou Lab
Classification: Likely benign for Peutz-Jeghers syndrome. Last evaluated: 2021-07-15. Review status: criteria provided, single submitter. Criteria: ACMG Guidelines, 2015. Collection method: clinical testing. Allele origin: germline. Affected: no.

GeneDx
Classification: Likely benign. Last evaluated: 2019-10-16. Review status: criteria provided, single submitter. Criteria: GeneDx Variant Classification Process June 2021. Collection method: clinical testing. Allele origin: germline. Affected: yes.

Color Diagnostics, LLC DBA Color Health
Classification: Likely benign for Hereditary cancer-predisposing syndrome. Last evaluated: 2017-08-20. Review status: criteria provided, single submitter. Criteria: ACMG Guidelines, 2015. Collection method: clinical testing. Allele origin: germline.

Quest Diagnostics Nichols Institute San Juan Capistrano
Classification: Likely benign. Last evaluated: 2017-07-12. Review status: criteria provided, single submitter. Criteria: Quest Diagnostics criteria. Collection method: clinical testing. Allele origin: germline.

NM_000455.5(STK11):c.1108+3G>A

Genes: STK11 (serine/threonine kinase 11; plus strand), LOC130062899 (ATAC-STARR-seq lymphoblastoid active region 13597; plus strand). Cytogenetic location: 19p13.3.
Variant type: single nucleotide variant.
Coding change: c.1108+3G>A on transcript NM_000455.5 (MANE Select); 3 bases into the intron after coding-DNA position 1108, G replaced by A.
Molecular consequence: intron variant.
Genome position (GRCh38, 1-based): chr19:1,223,175, G>A. VCF-style: chr19-1223175-G-A. GRCh37 (hg19) VCF-style: chr19-1223174-G-A.
Identifiers: ClinVar variation 237787 (VCV000237787.37), dbSNP rs755746417, ClinGen allele CA045322.